The following is an entry in ClinVar:

NM_005188.4(CBL):c.446G>A (p.Arg149Gln)

Gene: CBL (Cbl proto-oncogene; plus strand). Cytogenetic location: 11q23.3.
Variant type: single nucleotide variant.
Coding change: c.446G>A on transcript NM_005188.4 (MANE Select); coding-DNA position 446, G replaced by A.
Protein change: p.Arg149Gln; replaces arginine 149 with glutamine.
Molecular consequence: missense variant.
Genome position (GRCh38, 1-based): chr11:119,271,737, G>A. VCF-style: chr11-119271737-G-A. GRCh37 (hg19) VCF-style: chr11-119142447-G-A.
Other names: c.446G>A (NM_005188.2); short protein forms R149Q.
Identifiers: ClinVar variation 575873 (VCV000575873.11), dbSNP rs199739868, ClinGen allele CA229658291.
Genomic context (GRCh38, chr11:119,271,737, plus strand): 5'-TGCATTTAAAATAAAAATAATTTTATGTGTTTAATTATTGCATTCTGATCATTTGTAGGC[G>A]AAACCTAACCAAACTGTCCCTCATCTTCAGCCACATGCTGGCAGAACTAAAAGGAATCTT-3'
Protein context (NP_005179.2, residues 139-159): RMYEENSQPR[Arg149Gln]NLTKLSLIFS

ClinVar aggregate classification (germline): Conflicting classifications of pathogenicity. Review status: criteria provided, conflicting classifications (1 of 4 stars). 2 submissions from 2 submitters: Likely pathogenic (1); Uncertain significance (1). Last evaluated 2026-02-01.

Conditions:
RASopathy. Also called: rasopathies; Noonan spectrum disorder. Identifiers: Orphanet 536391, MedGen C5555857, MONDO:0021060.

Allele frequency attached by ClinVar (database versions not stated): gnomAD exomes 0.00001 and below 0.00001; gnomAD 0.00002; TOPMed 0.00001.

Submissions (2):

Labcorp Genetics (formerly Invitae), Labcorp
Classification: Uncertain significance for RASopathy. Last evaluated: 2026-02-01. Review status: criteria provided, single submitter. Criteria: Invitae Variant Classification Sherloc (09022015). Collection method: clinical testing. Allele origin: germline.
Comment: This sequence change replaces arginine, which is basic and polar, with glutamine, which is neutral and polar, at codon 149 of the CBL protein (p.Arg149Gln). This variant is present in population databases (rs199739868, gnomAD 0.0009%). This variant has not been reported in the literature in individuals affected with CBL-related conditions. ClinVar contains an entry for this variant (Variation ID: 575873). Invitae Evidence Modeling of protein sequence and biophysical properties (such as structural, functional, and spatial information, amino acid conservation, physicochemical variation, residue mobility, and thermodynamic stability) has been performed for this missense variant. However, the output from this modeling did not meet the statistical confidence thresholds required to predict the impact of this variant on CBL protein function. In summary, the available evidence is currently insufficient to determine the role of this variant in disease. Therefore, it has been classified as a Variant of Uncertain Significance.

GeneDx
Classification: Likely pathogenic. Last evaluated: 2025-11-21. Review status: criteria provided, single submitter. Criteria: GeneDx Variant Classification Process June 2021. Collection method: clinical testing. Allele origin: germline.
Comment: In silico analysis supports that this missense variant has a deleterious effect on protein structure/function; Has not been previously published as a pathogenic or benign germline variant to our knowledge; This variant is associated with the following publications: (PMID: 18034775, 20619386, 40772034)